The following is an entry in ClinVar:

NM_000292.3(PHKA2):c.2772_2782del (p.Met924fs)

Gene: PHKA2 (phosphorylase kinase regulatory subunit alpha 2; minus strand). Cytogenetic location: Xp22.13.
Variant type: Deletion.
Coding change: c.2772_2782del on transcript NM_000292.3 (MANE Select); coding-DNA positions 2772 to 2782, 11 bases deleted (GGCCACGGAGC).
Protein change: p.Met924fs; shifts the reading frame from methionine 924.
Molecular consequence: frameshift variant.
Genome position (GRCh38, 1-based): chrX:18,906,519-18,906,529, GCTCCGTGGCC deleted on the plus strand (GGCCACGGAGC on the coding strand, the reverse complement: PHKA2 is on the minus strand). VCF-style (leftmost placement, unchanged base first): chrX-18906518-AGCTCCGTGGCC-A. GRCh37 (hg19) VCF-style: chrX-18924636-AGCTCCGTGGCC-A.
Other names: short protein forms M924fs.
Identifiers: ClinVar variation 568551 (VCV000568551.6), dbSNP rs1569297379, ClinGen allele CA891843576.

ClinVar aggregate classification (germline): Pathogenic (1 of 4 stars; one submission).

Conditions:
Glycogen storage disease IXa1. Also called: LIVER GLYCOGENOSIS, X-LINKED, TYPE I; GLYCOGEN STORAGE DISEASE VIII; GSD VIII; Glycogen storage disease 8. Identifiers: Orphanet 264580, MedGen C3694531, MONDO:0010598, OMIM 306000.

Submission:

Labcorp Genetics (formerly Invitae), Labcorp
Classification: Pathogenic for Glycogen storage disease IXa1. Last evaluated: 2018-04-25. Review status: criteria provided, single submitter. Criteria: Invitae Variant Classification Sherloc (09022015). Collection method: clinical testing. Allele origin: germline.
Comment: For these reasons, this variant has been classified as Pathogenic. Loss-of-function variants in PHKA2 are known to be pathogenic (PMID: 7711737, 10330341). This variant has not been reported in the literature in individuals with PHKA2-related disease. This variant is not present in population databases (ExAC no frequency). This sequence change creates a premature translational stop signal (p.Met924Ilefs*14) in the PHKA2 gene. It is expected to result in an absent or disrupted protein product.

Literature cited by the submitters: PubMed 7711737; PubMed 10330341.